The following is an entry in ClinVar:

NM_004525.3(LRP2):c.8875A>G (p.Arg2959Gly)

Gene: LRP2 (LDL receptor related protein 2; minus strand). Cytogenetic location: 2q31.1.
Variant type: single nucleotide variant.
Coding change: c.8875A>G on transcript NM_004525.3 (MANE Select); coding-DNA position 8875, A replaced by G.
Protein change: p.Arg2959Gly; replaces arginine 2959 with glycine.
Molecular consequence: missense variant.
Genome position (GRCh38, 1-based): chr2:169,191,989, T>C on the plus strand (A>G on the coding strand, the complement: LRP2 is on the minus strand). VCF-style: chr2-169191989-T-C. GRCh37 (hg19) VCF-style: chr2-170048499-T-C.
Other names: short protein forms R2959G.
Identifiers: ClinVar variation 1964867 (VCV001964867.5), dbSNP rs2545770672, ClinGen allele CA349159508.
Genomic context (GRCh38, chr2:169,191,989, plus strand): 5'-TACAATCCACATCGCCATCACAGACCCAAGACTGGGGAATGCACCTCCTGTCCGGAGGTC[T>C]GTCATTTACACAGAGAAACTCGGAATCCGAGCAGTTTTGATTCTCTGAAACCAAAGCACG-3'
Protein context (NP_004516.2, residues 2949-2969): SDSEFLCVND[Arg2959Gly]PPDRRCIPQS

ClinVar aggregate classification (germline): Uncertain significance (1 of 4 stars; one submission).

gnomAD v4.1: 1 of 1,614,128 alleles (0.000062%); no homozygotes.

Submission:

Labcorp Genetics (formerly Invitae), Labcorp
Classification: Uncertain significance. Last evaluated: 2024-10-24. Review status: criteria provided, single submitter. Criteria: Invitae Variant Classification Sherloc (09022015). Collection method: clinical testing. Allele origin: germline.
Comment: This sequence change replaces arginine, which is basic and polar, with glycine, which is neutral and non-polar, at codon 2959 of the LRP2 protein (p.Arg2959Gly). This variant is not present in population databases (gnomAD no frequency). This variant has not been reported in the literature in individuals affected with LRP2-related conditions. ClinVar contains an entry for this variant (Variation ID: 1964867). Invitae Evidence Modeling of protein sequence and biophysical properties (such as structural, functional, and spatial information, amino acid conservation, physicochemical variation, residue mobility, and thermodynamic stability) indicates that this missense variant is not expected to disrupt LRP2 protein function with a negative predictive value of 95%. In summary, the available evidence is currently insufficient to determine the role of this variant in disease. Therefore, it has been classified as a Variant of Uncertain Significance.